The following is an entry in ClinVar:

NM_000038.6(APC):c.2705A>T (p.Glu902Val)

Gene: APC (APC regulator of Wnt signaling pathway; plus strand). Cytogenetic location: 5q22.2.
Variant type: single nucleotide variant.
Coding change: c.2705A>T on transcript NM_000038.6 (MANE Select); coding-DNA position 2705, A replaced by T.
Protein change: p.Glu902Val; replaces glutamic acid 902 with valine.
Molecular consequence: missense variant. On other transcripts: non-coding transcript variant (2).
Genome position (GRCh38, 1-based): chr5:112,838,299, A>T. VCF-style: chr5-112838299-A-T. GRCh37 (hg19) VCF-style: chr5-112173996-A-T.
Other names: c.2705A>T, p.Glu902Val (NM_001127510.3, NM_001354895.2, NM_001407450.1); c.2651A>T, p.Glu884Val (NM_001127511.3); c.2759A>T, p.Glu920Val (NM_001354896.2, NM_001407447.1, NM_001407448.1 and 1 more transcripts); c.2735A>T, p.Glu912Val (NM_001354897.2); c.2630A>T, p.Glu877Val (NM_001354898.2); c.2621A>T, p.Glu874Val (NM_001354899.2); c.2582A>T, p.Glu861Val (NM_001354900.2); c.2528A>T, p.Glu843Val (NM_001354901.2, NM_001407453.1); and 11 more; short protein forms E518V, E776V, E843V, E877V, E884V, E895V, E920V, E773V.
Identifiers: ClinVar variation 3882799 (VCV003882799.1).

ClinVar aggregate classification (germline): Uncertain significance (1 of 4 stars; one submission).

Conditions:
Hereditary cancer-predisposing syndrome. Also called: Tumor predisposition; Neoplastic Syndromes, Hereditary; Hereditary Cancer Syndrome; Hereditary neoplastic syndrome. Identifiers: Orphanet 140162, MedGen C0027672, MeSH D009386, MONDO:0015356.

Submission:

Ambry Genetics
Classification: Uncertain significance for Hereditary cancer-predisposing syndrome. Last evaluated: 2025-03-07. Review status: criteria provided, single submitter. Criteria: Ambry Variant Classification Scheme 2023. Collection method: clinical testing. Allele origin: germline.
Comment: The p.E902V variant (also known as c.2705A>T), located in coding exon 15 of the APC gene, results from an A to T substitution at nucleotide position 2705. The glutamic acid at codon 902 is replaced by valine, an amino acid with dissimilar properties. This amino acid position is conserved. In addition, in silico predictors for this gene do not accurately predict pathogenicity. Based on the available evidence, the clinical significance of this variant remains unclear.